The following is an entry in ClinVar:

NM_016042.4(EXOSC3):c.660dup (p.Val221fs)

Gene: EXOSC3 (exosome component 3; minus strand). Cytogenetic location: 9p13.2.
Variant type: Duplication.
Coding change: c.660dup on transcript NM_016042.4 (MANE Select); coding-DNA position 660, one base duplicated (A; older notation c.660dupA).
Protein change: p.Val221fs; shifts the reading frame from valine 221.
Molecular consequence: frameshift variant. On other transcripts: 3 prime UTR variant (1).
Genome position (GRCh38, 1-based): chr9:37,780,847, T duplicated on the plus strand (A on the coding strand, the reverse complement: EXOSC3 is on the minus strand); the first of 2 consecutive T bases (chr9:37,780,847-37,780,848); duplicating either gives the same sequence. VCF-style (leftmost placement, unchanged base first): chr9-37780846-C-CT. GRCh37 (hg19) VCF-style: chr9-37780843-C-CT.
Other names: c.*13dup (NM_001002269.2); c.660dupA (NM_016042.4); short protein forms V221fs.
Identifiers: ClinVar variation 3366785 (VCV003366785.3).

ClinVar aggregate classification (germline): Pathogenic (1 of 4 stars; one submission).

Conditions:
Pontoneocerebellar hypoplasia. Also called: Pontocerebellar hypoplasia; Non-syndromic pontocerebellar hypoplasia. Identifiers: Orphanet 98523, MedGen C1261175, MONDO:0020135.

Submission:

Women's Health and Genetics/Laboratory Corporation of America, LabCorp
Classification: Pathogenic for Pontoneocerebellar hypoplasia. Last evaluated: 2025-04-16. Review status: criteria provided, single submitter. Criteria: LabCorp Variant Classification Summary - May 2015. Collection method: clinical testing. Allele origin: germline.
Comment: Variant summary: EXOSC3 c.660dupA (p.Val221SerfsX20) located in the last exon results in a premature termination codon, predicted to cause a truncation of the encoded protein due to an escape from nonsense mediated decay (NMD). The variant was absent in 250860 control chromosomes. To our knowledge, no occurrence of c.660dupA in individuals affected with Pontocerebellar Hypoplasia, Type 1B and no experimental evidence demonstrating its impact on protein function have been reported. However, at-least one downstream pathogenic variant encompassing this variant, c.712T>C (p.Trp238Arg) supports a critical relevance of this domain to EXOSC3 protein function. ClinVar contains an entry for this variant (Variation ID: 3366785). Based on the evidence outlined above, the variant was classified as pathogenic.